The following is an entry in ClinVar:

ClinVar aggregate classification (germline): Uncertain significance (1 of 4 stars; one submission).

Submission:

Labcorp Genetics (formerly Invitae), Labcorp
Classification: Uncertain significance. Last evaluated: 2021-11-23. Review status: criteria provided, single submitter. Criteria: Invitae Variant Classification Sherloc (09022015). Collection method: clinical testing. Allele origin: germline.
Comment: This variant is not present in population databases (gnomAD no frequency). This sequence change replaces asparagine, which is neutral and polar, with serine, which is neutral and polar, at codon 41 of the RORB protein (p.Asn41Ser). This variant has not been reported in the literature in individuals affected with RORB-related conditions. In summary, the available evidence is currently insufficient to determine the role of this variant in disease. Therefore, it has been classified as a Variant of Uncertain Significance. Algorithms developed to predict the effect of missense changes on protein structure and function are either unavailable or do not agree on the potential impact of this missense change (SIFT: "Tolerated"; PolyPhen-2: "Possibly Damaging"; Align-GVGD: "Class C0").

NM_006914.4(RORB):c.122A>G (p.Asn41Ser)

Gene: RORB (RAR related orphan receptor B; plus strand). Cytogenetic location: 9q21.13.
Variant type: single nucleotide variant.
Coding change: c.122A>G on transcript NM_006914.4 (MANE Select); coding-DNA position 122, A replaced by G.
Protein change: p.Asn41Ser; replaces asparagine 41 with serine.
Molecular consequence: missense variant.
Genome position (GRCh38, 1-based): chr9:74,634,659, A>G. VCF-style: chr9-74634659-A-G. GRCh37 (hg19) VCF-style: chr9-77249575-A-G.
Other names: c.155A>G, p.Asn52Ser (NM_001365023.1); short protein forms N41S, N52S.
Identifiers: ClinVar variation 1487667 (VCV001487667.6), dbSNP rs2118433101, ClinGen allele CA373772145.